The following is an entry in ClinVar:

NM_015910.7(WDPCP):c.685C>G (p.Leu229Val)

Gene: WDPCP (WD repeat containing planar cell polarity effector; minus strand). Cytogenetic location: 2p15.
Variant type: single nucleotide variant.
Coding change: c.685C>G on transcript NM_015910.7 (MANE Select); coding-DNA position 685, C replaced by G.
Protein change: p.Leu229Val; replaces leucine 229 with valine.
Molecular consequence: missense variant. On other transcripts: non-coding transcript variant (3).
Genome position (GRCh38, 1-based): chr2:63,433,885, G>C on the plus strand (C>G on the coding strand, the complement: WDPCP is on the minus strand). VCF-style: chr2-63433885-G-C. GRCh37 (hg19) VCF-style: chr2-63661019-G-C.
Other names: c.685C>G (NM_015910.5); c.208C>G, p.Leu70Val (NM_001042692.3); c.613C>G, p.Leu205Val (NM_001354044.2); c.685C>G, p.Leu229Val (NM_001354045.2); short protein forms L205V, L70V, L229V.
Identifiers: ClinVar variation 1513010 (VCV001513010.9), dbSNP rs762453550, ClinGen allele CA1682373.

ClinVar aggregate classification (germline): Uncertain significance. Review status: criteria provided, multiple submitters, no conflicts (2 of 4 stars). 4 submissions from 4 submitters: Uncertain significance (3). 1 of the submissions does not count toward it. Last evaluated 2024-10-22.

Conditions:
WDPCP-related disorder. Also called: WDPCP-related condition.
Bardet-Biedl syndrome (BBS). Identifiers: Orphanet 110, MedGen C0752166, MONDO:0015229.
Heart defect - tongue hamartoma - polysyndactyly syndrome. Also called: Congenital heart defects, hamartomas of tongue, and polysyndactyly. Identifiers: Orphanet 1338, MedGen C1857587, MONDO:0009008, OMIM 217085.
Bardet-Biedl syndrome 15 (BBS15). Identifiers: Orphanet 110, MedGen C3150127, MONDO:0014443, OMIM 615992.

Allele frequency attached by ClinVar (database versions not stated): ExAC 0.00001; gnomAD 0.00002; gnomAD exomes 0.00002; TOPMed 0.00003.

Submissions (4):

Labcorp Genetics (formerly Invitae), Labcorp
Classification: Uncertain significance for Bardet-Biedl syndrome. Last evaluated: 2024-10-22. Review status: criteria provided, single submitter. Criteria: Invitae Variant Classification Sherloc (09022015). Collection method: clinical testing. Allele origin: germline.
Comment: This sequence change replaces leucine, which is neutral and non-polar, with valine, which is neutral and non-polar, at codon 229 of the WDPCP protein (p.Leu229Val). This variant is present in population databases (rs762453550, gnomAD 0.01%). This variant has not been reported in the literature in individuals affected with WDPCP-related conditions. ClinVar contains an entry for this variant (Variation ID: 1513010). Invitae Evidence Modeling of protein sequence and biophysical properties (such as structural, functional, and spatial information, amino acid conservation, physicochemical variation, residue mobility, and thermodynamic stability) indicates that this missense variant is not expected to disrupt WDPCP protein function with a negative predictive value of 80%. In summary, the available evidence is currently insufficient to determine the role of this variant in disease. Therefore, it has been classified as a Variant of Uncertain Significance.

Fulgent Genetics
Classification: Uncertain significance for Heart defect - tongue hamartoma - polysyndactyly syndrome; Bardet-Biedl syndrome 15. Last evaluated: 2024-04-23. Review status: criteria provided, single submitter. Criteria: ACMG Guidelines, 2015. Collection method: clinical testing. Allele origin: germline.

Blueprint Genetics
Classification: Uncertain significance. Last evaluated: 2020-04-15. Review status: criteria provided, single submitter. Criteria: ACMG Guidelines, 2015. Collection method: clinical testing. Allele origin: germline.

PreventionGenetics, part of Exact Sciences
Classification: Uncertain significance for WDPCP-related condition. Last evaluated: 2024-02-16. Review status: no assertion criteria provided. Collection method: clinical testing. Allele origin: germline. Not counted in ClinVar's aggregate classification.
Comment: The WDPCP c.685C>G variant is predicted to result in the amino acid substitution p.Leu229Val. To our knowledge, this variant has not been reported in the literature. This variant is reported in 0.012% of alleles in individuals of European (Finnish) descent in gnomAD. At this time, the clinical significance of this variant is uncertain due to the absence of conclusive functional and genetic evidence.